The following is an entry in ClinVar:

ClinVar aggregate classification (germline): Likely benign (1 of 4 stars; one submission).

Allele frequency attached by ClinVar (database versions not stated): ExAC 0.00001; gnomAD 0.00002; TOPMed 0.00003.
gnomAD v4.1: 29 of 1,613,376 alleles (0.0018%); highest among the groups gnomAD compares: African/African-American, 0.0027%; no homozygotes.

Submission:

CeGaT Center for Human Genetics Tuebingen
Classification: Likely benign. Last evaluated: 2022-10-01. Review status: criteria provided, single submitter. Criteria: CeGaT Center For Human Genetics Tuebingen Variant Classification Criteria Version 2. Collection method: clinical testing. Allele origin: germline. Affected: yes. Observed: 1 variant allele.
Comment: RNF214: BP4, BP7

NM_207343.4(RNF214):c.2022G>A (p.Ala674=)

Gene: RNF214 (ring finger protein 214; plus strand). Cytogenetic location: 11q23.3.
Variant type: single nucleotide variant.
Coding change: c.2022G>A on transcript NM_207343.4 (MANE Select); coding-DNA position 2022, G replaced by A.
Protein change: p.Ala674=; no amino-acid change (alanine 674 retained).
Molecular consequence: synonymous variant.
Genome position (GRCh38, 1-based): chr11:117,283,186, G>A. VCF-style: chr11-117283186-G-A. GRCh37 (hg19) VCF-style: chr11-117153902-G-A.
Other names: c.2022G>A, p.Ala674= (NM_001077239.2); c.1557G>A, p.Ala519= (NM_001278249.2).
Identifiers: ClinVar variation 2642408 (VCV002642408.24), dbSNP rs772997659, ClinGen allele CA6293845.
Genomic context (GRCh38, chr11:117,283,186, plus strand): 5'-CTGTAAGCTATGTCTAATGTGCCAGAAACTCGTCCAGCCCAGTGAGCTGCATCCAATGGC[G>A]TGTACCCATGTATTGCACAAGGAGGTAGGTGTTACAGACCTTCCTCATTTTCTACACTTT-3'
Protein context (NP_997226.2, residues 664-684): LVQPSELHPM[Ala674=]CTHVLHKECI